The following is an entry in ClinVar:

ClinVar aggregate classification (germline): Benign/Likely benign. Review status: criteria provided, multiple submitters, no conflicts (2 of 4 stars). 4 submissions from 3 submitters: Benign (3); Likely benign (1). Last evaluated 2026-02-02.

Conditions:
Autosomal recessive spinocerebellar ataxia 12. Also called: SPINOCEREBELLAR ATAXIA WITH MENTAL RETARDATION AND EPILEPSY. Identifiers: Orphanet 284282, MedGen C3280452, MONDO:0013687, OMIM 614322.
Developmental and epileptic encephalopathy, 1 (DEE1). Also called: INFANTILE SPASM SYNDROME, X-LINKED 1; X-linked infantile spasms; West's syndrome; Tonic spasms with clustering, arrest of psychomotor development and hypsarrhythmia on EEG; X-Linked Infantile Spasm Syndrome; OHTAHARA SYNDROME, X-LINKED. Identifiers: MedGen C3463992, MONDO:0010632, OMIM 308350. Disease mechanism: loss of function.
Developmental and epileptic encephalopathy, 28 (DEE28). Also called: Epileptic encephalopathy, early infantile, 28. Identifiers: Orphanet 442835, MedGen C4015519, MONDO:0014533, OMIM 616211.

Allele frequency attached by ClinVar (database versions not stated): gnomAD exomes 0.00017; ExAC 0.00040; ESP Exome Variant Server 0.00048; gnomAD 0.00076 and 0.00078; TOPMed 0.00083; 1000 Genomes Project 0.00100; 1000 Genomes Project 30x 0.00109.
gnomAD v4.1: 234 of 1,553,102 alleles (0.015%); highest among the groups gnomAD compares: African/African-American, 0.26%; 1 homozygote.

Submissions (5):

Labcorp Genetics (formerly Invitae), Labcorp
Classification: Benign for Developmental and epileptic encephalopathy, 1; Autosomal recessive spinocerebellar ataxia 12. Last evaluated: 2026-02-02. Review status: criteria provided, single submitter. Criteria: Invitae Variant Classification Sherloc (09022015). Collection method: clinical testing. Allele origin: germline.

Genome-Nilou Lab
Classification: Benign for Developmental and epileptic encephalopathy, 28. Last evaluated: 2021-12-05. Review status: criteria provided, single submitter. Criteria: ACMG Guidelines, 2015. Collection method: clinical testing. Allele origin: germline. Affected: no.

Genome-Nilou Lab
Classification: Benign for Autosomal recessive spinocerebellar ataxia 12. Last evaluated: 2021-12-05. Review status: criteria provided, single submitter. Criteria: ACMG Guidelines, 2015. Collection method: clinical testing. Allele origin: germline. Affected: no.

GeneDx
Classification: Likely benign. Last evaluated: 2017-07-06. Review status: criteria provided, single submitter. Criteria: GeneDx Variant Classification (06012015). Collection method: clinical testing. Allele origin: germline. Affected: yes.
Comment: This variant is considered likely benign or benign based on one or more of the following criteria: it is a conservative change, it occurs at a poorly conserved position in the protein, it is predicted to be benign by multiple in silico algorithms, and/or has population frequency not consistent with disease.

Dr. Peter K. Rogan Lab, Western University
No classification provided (evidence only). Condition: Cervical cancer. Review status: no classification provided. Collection method: in vitro. Allele origin: not applicable. Functional consequence: retained intron. Not counted in ClinVar's aggregate classification.

NM_016373.4(WWOX):c.107+18G>A

Gene: WWOX (WW domain containing oxidoreductase; plus strand). Cytogenetic location: 16q23.1.
Variant type: single nucleotide variant.
Coding change: c.107+18G>A on transcript NM_016373.4 (MANE Select); 18 bases into the intron after coding-DNA position 107, G replaced by A.
Molecular consequence: intron variant. On other transcripts: non-coding transcript variant (2).
Genome position (GRCh38, 1-based): chr16:78,099,903, G>A. VCF-style: chr16-78099903-G-A. GRCh37 (hg19) VCF-style: chr16-78133800-G-A.
Other names: c.-168+18G>A (NM_001291997.2); c.107+18G>A (NM_130791.5).
Identifiers: ClinVar variation 383964 (VCV000383964.11), dbSNP rs146301453, ClinGen allele CA8182993.
Genomic context (GRCh38, chr16:78,099,903, plus strand): 5'-GGGAGGAGAGAACCACCAAGGACGGCTGGGTTTACTACGCCAAGTAAGGGGGCCGCAGTG[G>A]GGCCGCGGACGCACCTGGGACCCTGCACAGCCCACGGACGCCACCTGCGCGGGGAGGACG-3'